The following is an entry in ClinVar:

NM_002907.4(RECQL):c.499A>G (p.Lys167Glu)

Gene: RECQL (RecQ like helicase; minus strand). Cytogenetic location: 12p12.1.
Variant type: single nucleotide variant.
Coding change: c.499A>G on transcript NM_002907.4 (MANE Select); coding-DNA position 499, A replaced by G.
Protein change: p.Lys167Glu; replaces lysine 167 with glutamic acid.
Molecular consequence: missense variant.
Genome position (GRCh38, 1-based): chr12:21,486,481, T>C on the plus strand (A>G on the coding strand, the complement: RECQL is on the minus strand). VCF-style: chr12-21486481-T-C. GRCh37 (hg19) VCF-style: chr12-21639415-T-C.
Other names: c.499A>G, p.Lys167Glu (NM_032941.3); short protein forms K167E.
Identifiers: ClinVar variation 1443703 (VCV001443703.9), dbSNP rs2137387431, ClinGen allele CA384129799.

ClinVar aggregate classification (germline): Uncertain significance. Review status: criteria provided, multiple submitters, no conflicts (2 of 4 stars). 2 submissions from 2 submitters: Uncertain significance (2). Last evaluated 2025-11-25.

Submissions (2):

Ambry Genetics
Classification: Uncertain significance. Last evaluated: 2025-11-25. Review status: criteria provided, single submitter. Criteria: Ambry Variant Classification Scheme 2023. Collection method: clinical testing. Allele origin: germline.
Comment: The p.K167E variant (also known as c.499A>G), located in coding exon 4 of the RECQL gene, results from an A to G substitution at nucleotide position 499. The lysine at codon 167 is replaced by glutamic acid, an amino acid with similar properties. This amino acid position is conserved. In addition, the in silico prediction for this alteration is inconclusive. Since supporting evidence is limited at this time, the clinical significance of this alteration remains unclear.

Labcorp Genetics (formerly Invitae), Labcorp
Classification: Uncertain significance. Last evaluated: 2021-10-09. Review status: criteria provided, single submitter. Criteria: Invitae Variant Classification Sherloc (09022015). Collection method: clinical testing. Allele origin: germline.
Comment: In summary, the available evidence is currently insufficient to determine the role of this variant in disease. Therefore, it has been classified as a Variant of Uncertain Significance. Algorithms developed to predict the effect of missense changes on protein structure and function (SIFT, PolyPhen-2, Align-GVGD) all suggest that this variant is likely to be tolerated. This variant has not been reported in the literature in individuals affected with RECQL-related conditions. This variant is not present in population databases (ExAC no frequency). This sequence change replaces lysine with glutamic acid at codon 167 of the RECQL protein (p.Lys167Glu). The lysine residue is highly conserved and there is a small physicochemical difference between lysine and glutamic acid.